The following is an entry in ClinVar:

ClinVar aggregate classification (germline): Pathogenic. Review status: criteria provided, multiple submitters, no conflicts (2 of 4 stars). 6 submissions from 6 submitters: Pathogenic (6). Last evaluated 2025-09-24.

Conditions:
Adams-Oliver syndrome 5 (AOS5). Identifiers: Orphanet 974, MedGen C4014970, MONDO:0014459, OMIM 616028.
Inborn genetic diseases. Identifiers: MedGen C0950123, MeSH D030342.
NOTCH1-related disorder. Also called: NOTCH1-related condition; NOTCH1-related disorders.

Allele frequency attached by ClinVar (database versions not stated): gnomAD exomes below 0.00001 and 0.00001.
gnomAD v4.1: 1 of 1,563,586 alleles (0.000064%); highest among the groups gnomAD compares: Admixed American, 0.0019%; no homozygotes.

Submissions (6):

Genesolutions, Medical Genetics Institutes, Ho Chi Minh City, Vietnam
Classification: Pathogenic for Adams-Oliver syndrome 5. Last evaluated: 2025-09-24. Review status: criteria provided, single submitter. Criteria: ACMG Guidelines, 2015. Collection method: clinical testing. Allele origin: germline. Affected: yes.

Labcorp Genetics (formerly Invitae), Labcorp
Classification: Pathogenic for Adams-Oliver syndrome 5. Last evaluated: 2024-02-26. Review status: criteria provided, single submitter. Criteria: Invitae Variant Classification Sherloc (09022015). Collection method: clinical testing. Allele origin: germline.
Comment: This sequence change creates a premature translational stop signal (p.Arg56*) in the NOTCH1 gene. It is expected to result in an absent or disrupted protein product. Loss-of-function variants in NOTCH1 are known to be pathogenic (PMID: 16025100, 21457232, 25132448, 25963545, 32720365, 33630301). The frequency data for this variant in the population databases is considered unreliable, as metrics indicate poor data quality at this position in the gnomAD database. This variant has not been reported in the literature in individuals affected with NOTCH1-related conditions. ClinVar contains an entry for this variant (Variation ID: 521568). For these reasons, this variant has been classified as Pathogenic.

CeGaT Center for Human Genetics Tuebingen
Classification: Pathogenic. Last evaluated: 2023-09-01. Review status: criteria provided, single submitter. Criteria: CeGaT Center For Human Genetics Tuebingen Variant Classification Criteria Version 2. Collection method: clinical testing. Allele origin: germline. Affected: yes. Observed: 1 variant allele.
Comment: NOTCH1: PVS1, PM2

GeneDx
Classification: Pathogenic. Last evaluated: 2022-11-18. Review status: criteria provided, single submitter. Criteria: GeneDx Variant Classification Process June 2021. Collection method: clinical testing. Allele origin: germline. Affected: yes.
Comment: Reported as a de novo variant in a proband referred for exome sequencing; however, detailed clinical information was not provided (Powis et al., 2018); Nonsense variant predicted to result in protein truncation or nonsense mediated decay in a gene for which loss of function is a known mechanism of disease; Not observed at significant frequency in large population cohorts (gnomAD); This variant is associated with the following publications: (PMID: 29565416)

Blueprint Genetics
Classification: Pathogenic for NOTCH1-related disorders. Last evaluated: 2022-10-13. Review status: criteria provided, single submitter. Criteria: ACMG Guidelines, 2015. Collection method: clinical testing. Allele origin: germline. Affected: yes. Observed: 1 variant allele.

Ambry Genetics
Classification: Pathogenic for Inborn genetic diseases. Last evaluated: 2017-02-03. Review status: criteria provided, single submitter. Criteria: Ambry exome assertion method (8-5-2015). Collection method: clinical testing. Allele origin: germline. Affected: yes. Observed: 1 variant allele.

Literature cited by the submitters: PubMed 16025100 (cited by Labcorp Genetics (formerly Invitae), Labcorp); PubMed 21457232 (cited by Labcorp Genetics (formerly Invitae), Labcorp); PubMed 25132448 (cited by Labcorp Genetics (formerly Invitae), Labcorp); PubMed 25963545 (cited by Labcorp Genetics (formerly Invitae), Labcorp); PubMed 32720365 (cited by Labcorp Genetics (formerly Invitae), Labcorp); PubMed 33630301 (cited by Labcorp Genetics (formerly Invitae), Labcorp).

NM_017617.5(NOTCH1):c.166C>T (p.Arg56Ter)

Gene: NOTCH1 (notch receptor 1; minus strand). Cytogenetic location: 9q34.3.
Variant type: single nucleotide variant.
Coding change: c.166C>T on transcript NM_017617.5 (MANE Select); coding-DNA position 166, C replaced by T.
Protein change: p.Arg56Ter; replaces arginine 56 with a stop codon.
Molecular consequence: nonsense.
Genome position (GRCh38, 1-based): chr9:136,523,954, G>A on the plus strand (C>T on the coding strand, the complement: NOTCH1 is on the minus strand). VCF-style: chr9-136523954-G-A. GRCh37 (hg19) VCF-style: chr9-139418406-G-A.
Other names: c.166C>T, p.Arg56Ter (LRG_1122t1); short protein forms R56*.
Identifiers: ClinVar variation 521568 (VCV000521568.34), dbSNP rs1348892740, ClinGen allele CA375573182.
Genomic context (GRCh38, chr9:136,523,954, plus strand): 5'-CGTGGCATGTCCCGGCGTTCTTGCAGGGGGTGCTGAGGCACGGGTTGGGGTCCTGGCATC[G>A]CGGGCCCACGAAGGCCCCGCCACAGCTGTTGGCAGATGTGCCAGGGCAGTTAGTTCCCAC-3'